The following is an entry in ClinVar:

ClinVar aggregate classification (germline): Likely benign. Review status: reviewed by expert panel (3 of 4 stars). 4 submissions from 4 submitters: Likely benign (1). 3 of the submissions do not count toward it. Last evaluated 2022-06-06.

Conditions:
Creatine deficiency syndrome 1.
Creatine transporter deficiency (CCDS1). Also called: Creatine Transporter (CRTR) Deficiency; SLC6A8-Related Creatine Transporter Deficiency; CREATINE TRANSPORTER DEFECT; CEREBRAL CREATINE DEFICIENCY SYNDROME 1; Mental retardation , X-linked with seizures, short stature and midface hypoplasia; Mental retardation , X-linked, with creatine transport deficiency. Identifiers: Orphanet 52503, MedGen C1845862, MONDO:0010305, OMIM 300352.

Allele frequency attached by ClinVar (database versions not stated): gnomAD exomes 0.00004 and 0.00021; gnomAD 0.00006.
gnomAD v4.1: 42 of 1,062,310 alleles (0.004%); highest among the groups gnomAD compares: Non-Finnish European, 0.0013%; no homozygotes.

Submissions (4):

ClinGen Cerebral Creatine Deficiency Syndromes Variant Curation Expert Panel, ClinGen
Classification: Likely benign for Creatine transporter deficiency. Last evaluated: 2022-06-06. Review status: reviewed by expert panel. Criteria: ClinGen_CCDS_ACMG_Specifications_SLC6A8_v1.1. Collection method: curation. Allele origin: germline. Inheritance: X-linked inheritance.
Comment: The NM_005629.4: c.26G>T variant in SLC6A8 is a missense variant predicted to cause substitution of Glycine for Valine at amino acid 9 (p.Gly9Val). The highest population minor allele frequency in gnomAD v2.1.1 is 0.00019 (14/74655 alleles) in the European population. Additionally, there are 5 hemizygotes in gnomAD v2.1.1, which is higher than the ClinGen CCDS VCEP’s threshold for BS1 (<5 hemizygotes in gnomAD). The computational predictor REVEL gives a score of 0.146 which is below the threshold of 0.25, evidence that does not predict a damaging effect on SLC6A8 function (PP3). To our knowledge, this variant has not been previously reported in affected individuals in the literature. There is a ClinVar entry for this variant (Variation ID:571505). In summary, this variant meets the criteria to be classified as Likely Benign for Creatine Transporter Deficiency based on the ACMG/AMP criteria applied, as specified by the ClinGen Cerebral Creatine Deficiency Syndromes Variant Curation Expert Panel (Specifications Version 1.1.0): BS1, BP4. (Classification approved by the ClinGen CCDS VCEP on June 6, 2022).

Labcorp Genetics (formerly Invitae), Labcorp
Classification: Likely benign for Creatine transporter deficiency. Last evaluated: 2025-04-21. Review status: criteria provided, single submitter. Criteria: Invitae Variant Classification Sherloc (09022015). Collection method: clinical testing. Allele origin: germline. Not counted in ClinVar's aggregate classification.

Blueprint Genetics
Classification: Likely benign. Last evaluated: 2024-07-18. Review status: criteria provided, single submitter. Criteria: ACMG Guidelines, 2015. Collection method: clinical testing. Allele origin: germline. Not counted in ClinVar's aggregate classification.

Natera, Inc.
Classification: Benign for Creatine deficiency syndrome 1. Last evaluated: 2019-11-11. Review status: no assertion criteria provided. Collection method: clinical testing. Allele origin: germline. Not counted in ClinVar's aggregate classification.

NM_005629.4(SLC6A8):c.26G>T (p.Gly9Val)

Gene: SLC6A8 (solute carrier family 6 member 8; plus strand). Cytogenetic location: Xq28.
Variant type: single nucleotide variant.
Coding change: c.26G>T on transcript NM_005629.4 (MANE Select); coding-DNA position 26, G replaced by T.
Protein change: p.Gly9Val; replaces glycine 9 with valine.
Molecular consequence: missense variant.
Genome position (GRCh38, 1-based): chrX:153,688,600, G>T. VCF-style: chrX-153688600-G-T. GRCh37 (hg19) VCF-style: chrX-152954055-G-T.
Other names: NM_005629.4(SLC6A8):c.26G>T; p.Gly9Val; c.26G>T, p.Gly9Val (NM_001142805.2); short protein forms G9V.
Identifiers: ClinVar variation 571505 (VCV000571505.14), dbSNP rs1198790754, ClinGen allele CA415075922.
Genomic context (GRCh38, chrX:153,688,600, plus strand): 5'-GCGACCCCGGCCCGGCCGTGCGGCCCGCCGAGGCCATGGCGAAGAAGAGCGCCGAGAACG[G>T]CATCTATAGCGTGTCCGGCGACGAGAAGAAGGGCCCCCTCATCGCGCCCGGGCCCGACGG-3'
Protein context (NP_005620.1, residues 1-19): MAKKSAEN[Gly9Val]IYSVSGDEKK